The following is an entry in ClinVar:

ClinVar aggregate classification (germline): Benign/Likely benign. Review status: criteria provided, multiple submitters, no conflicts (2 of 4 stars). 10 submissions from 10 submitters: Benign (5); Likely benign (4). 1 of the submissions does not count toward it. Last evaluated 2026-07-17.

Conditions:
SMARCA4-related disorder. Also called: SMARCA4-related condition.
Coffin-Siris syndrome. Identifiers: Orphanet 1465, MedGen C0265338, MONDO:0015452.
Hereditary cancer-predisposing syndrome. Also called: Hereditary Cancer Syndrome; Tumor predisposition; Hereditary neoplastic syndrome; Neoplastic Syndromes, Hereditary. Identifiers: Orphanet 140162, MedGen C0027672, MeSH D009386, MONDO:0015356.
Intellectual disability, autosomal dominant 16 (CSS4). Also called: COFFIN-SIRIS SYNDROME 4. Identifiers: Orphanet 1465, MedGen C3553249, MONDO:0013821, OMIM 614609.
Rhabdoid tumor predisposition syndrome 2 (RTPS2). Identifiers: Orphanet 231108, Orphanet 69077, MedGen C2750074, MONDO:0013224, OMIM 613325.

Allele frequency attached by ClinVar (database versions not stated): 1000 Genomes Project 30x 0.00047; gnomAD exomes 0.00010 and 0.00003; ExAC 0.00013; TOPMed 0.00002; 1000 Genomes Project 0.00060.

Submissions (10):

Myriad Genetics, Inc.
Classification: Benign for Rhabdoid tumor predisposition syndrome 2. Last evaluated: 2026-07-17. Review status: criteria provided, single submitter. Criteria: Myriad Autosomal Dominant, Autosomal Recessive and X-Linked Classification Criteria (2023). Collection method: clinical testing. Allele origin: unknown.
Comment: This variant is considered benign. This variant is a silent/synonymous amino acid change and it is not expected to impact splicing.

Labcorp Genetics (formerly Invitae), Labcorp
Classification: Benign for Rhabdoid tumor predisposition syndrome 2. Last evaluated: 2026-02-03. Review status: criteria provided, single submitter. Criteria: Invitae Variant Classification Sherloc (09022015). Collection method: clinical testing. Allele origin: germline.

ARUP Laboratories, Molecular Genetics and Genomics, ARUP Laboratories
Classification: Likely benign. Last evaluated: 2025-04-16. Review status: criteria provided, single submitter. Criteria: ARUP Molecular Germline Variant Investigation Process 2024. Collection method: clinical testing. Allele origin: germline.

CeGaT Center for Human Genetics Tuebingen
Classification: Likely benign. Last evaluated: 2025-04-01. Review status: criteria provided, single submitter. Criteria: CeGaT Center For Human Genetics Tuebingen Variant Classification Criteria Version 2. Collection method: clinical testing. Allele origin: germline. Affected: yes. Observed: 1 variant allele.
Comment: SMARCA4: BP4, BP7

GeneDx
Classification: Likely benign. Last evaluated: 2021-09-17. Review status: criteria provided, single submitter. Criteria: GeneDx Variant Classification Process June 2021. Collection method: clinical testing. Allele origin: germline. Affected: yes.

Genome-Nilou Lab
Classification: Benign for Intellectual disability, autosomal dominant 16. Last evaluated: 2021-07-15. Review status: criteria provided, single submitter. Criteria: ACMG Guidelines, 2015. Collection method: clinical testing. Allele origin: germline. Affected: no.

Sema4
Classification: Benign for Hereditary cancer-predisposing syndrome. Last evaluated: 2021-06-28. Review status: criteria provided, single submitter. Criteria: Sema4 Curation Guidelines. Collection method: curation. Allele origin: germline.

Illumina Laboratory Services, Illumina
Classification: Benign for Coffin-Siris syndrome. Last evaluated: 2018-01-13. Review status: criteria provided, single submitter. Criteria: ICSL Variant Classification Criteria 13 December 2019. Collection method: clinical testing. Allele origin: germline.
Comment: This variant was observed in the ICSL laboratory as part of a predisposition screen in an ostensibly healthy population. It had not been previously curated by ICSL or reported in the Human Gene Mutation Database (HGMD: prior to June 1st, 2018), and was therefore a candidate for classification through an automated scoring system. Utilizing variant allele frequency, disease prevalence and penetrance estimates, and inheritance mode, an automated score was calculated to assess if this variant is too frequent to cause the disease. Based on the score and internal cut-off values, a variant classified as benign is not then subjected to further curation. The score for this variant resulted in a classification of benign for this disease.

Ambry Genetics
Classification: Likely benign for Hereditary cancer-predisposing syndrome. Last evaluated: 2015-07-28. Review status: criteria provided, single submitter. Criteria: Ambry Variant Classification Scheme 2023. Collection method: clinical testing. Allele origin: germline.

PreventionGenetics, part of Exact Sciences
Classification: Likely benign for SMARCA4-related condition. Last evaluated: 2024-02-02. Review status: no assertion criteria provided. Collection method: clinical testing. Allele origin: germline. Not counted in ClinVar's aggregate classification.
Comment: This variant is classified as likely benign based on ACMG/AMP sequence variant interpretation guidelines (Richards et al. 2015 PMID: 25741868, with internal and published modifications).

NM_003072.5(SMARCA4):c.4011C>T (p.Leu1337=)

Gene: SMARCA4 (SWI/SNF related BAF chromatin remodeling complex subunit ATPase 4; plus strand). Cytogenetic location: 19p13.2.
Variant type: single nucleotide variant.
Coding change: c.4011C>T on transcript NM_003072.5 (MANE Select); coding-DNA position 4011, C replaced by T.
Protein change: p.Leu1337=; no amino-acid change (leucine 1337 retained).
Molecular consequence: synonymous variant. On other transcripts: non-coding transcript variant (1).
Genome position (GRCh38, 1-based): chr19:11,034,973, C>T. VCF-style: chr19-11034973-C-T. GRCh37 (hg19) VCF-style: chr19-11145649-C-T.
Other names: c.4011C>T, p.Leu1337= (NM_001128844.3, NM_001128849.3, NM_001387283.1); c.3912C>T, p.Leu1304= (NM_001128845.2, NM_001128846.2, NM_001128847.4 and 2 more transcripts).
Identifiers: ClinVar variation 220922 (VCV000220922.33), dbSNP rs377720149, ClinGen allele CA349036.